The following is an entry in ClinVar:

NM_145236.3(B3GNT7):c.1050C>T (p.Phe350=)

Gene: B3GNT7 (UDP-GlcNAc:betaGal beta-1,3-N-acetylglucosaminyltransferase 7; plus strand). Cytogenetic location: 2q37.1.
Variant type: single nucleotide variant.
Coding change: c.1050C>T on transcript NM_145236.3 (MANE Select); coding-DNA position 1050, C replaced by T.
Protein change: p.Phe350=; no amino-acid change (phenylalanine 350 retained).
Molecular consequence: synonymous variant.
Genome position (GRCh38, 1-based): chr2:231,398,769, C>T. VCF-style: chr2-231398769-C-T. GRCh37 (hg19) VCF-style: chr2-232263480-C-T.
Identifiers: ClinVar variation 3341928 (VCV003341928.16).

ClinVar aggregate classification (germline): Likely benign (1 of 4 stars; one submission).

gnomAD v4.1: 44 of 1,608,324 alleles (0.0027%); highest among the groups gnomAD compares: African/African-American, 0.0067%; no homozygotes.

Submission:

CeGaT Center for Human Genetics Tuebingen
Classification: Likely benign. Last evaluated: 2024-08-01. Review status: criteria provided, single submitter. Criteria: CeGaT Center For Human Genetics Tuebingen Variant Classification Criteria Version 2. Collection method: clinical testing. Allele origin: germline. Affected: yes. Observed: 1 variant allele.
Comment: B3GNT7: BP4, BP7